The following is an entry in ClinVar:

ClinVar aggregate classification (germline): Uncertain significance. Review status: criteria provided, multiple submitters, no conflicts (2 of 4 stars). 2 submissions from 2 submitters: Uncertain significance (2). Last evaluated 2026-06-01.

Conditions:
Inborn genetic diseases. Identifiers: MedGen C0950123, MeSH D030342.

Allele frequency attached by ClinVar (database versions not stated): gnomAD exomes below 0.00001; ExAC 0.00001.

Submissions (2):

CeGaT Center for Human Genetics Tuebingen
Classification: Uncertain significance. Last evaluated: 2026-06-01. Review status: criteria provided, single submitter. Criteria: CeGaT Center For Human Genetics Tuebingen Variant Classification Criteria Version 2. Collection method: clinical testing. Allele origin: germline. Affected: yes. Observed: 1 variant allele.
Comment: SLC18A2: PM2, BP4

Ambry Genetics
Classification: Uncertain significance for Inborn genetic diseases. Last evaluated: 2021-01-27. Review status: criteria provided, single submitter. Criteria: Ambry Variant Classification Scheme 2023. Collection method: clinical testing. Allele origin: germline.
Comment: The c.1015A>G (p.I339V) alteration is located in exon 11 (coding exon 10) of the SLC18A2 gene. This alteration results from a A to G substitution at nucleotide position 1015, causing the isoleucine (I) at amino acid position 339 to be replaced by a valine (V). The p.I339V alteration is predicted to be tolerated by in silico analysis. Based on insufficient or conflicting evidence, the clinical significance of this alteration remains unclear.

NM_003054.6(SLC18A2):c.1015A>G (p.Ile339Val)

Gene: SLC18A2 (solute carrier family 18 member A2; plus strand). Cytogenetic location: 10q25.3.
Variant type: single nucleotide variant.
Coding change: c.1015A>G on transcript NM_003054.6 (MANE Select); coding-DNA position 1015, A replaced by G.
Protein change: p.Ile339Val; replaces isoleucine 339 with valine.
Molecular consequence: missense variant.
Genome position (GRCh38, 1-based): chr10:117,266,756, A>G. VCF-style: chr10-117266756-A-G. GRCh37 (hg19) VCF-style: chr10-119026267-A-G.
Other names: short protein forms I339V.
Identifiers: ClinVar variation 2219223 (VCV002219223.4), dbSNP rs745598638, ClinGen allele CA5710541.